The following is an entry in ClinVar:

NM_006662.3(SRCAP):c.4067C>G (p.Pro1356Arg)

Gene: SRCAP (Snf2 related CREBBP activator protein; plus strand). Cytogenetic location: 16p11.2.
Variant type: single nucleotide variant.
Coding change: c.4067C>G on transcript NM_006662.3 (MANE Select); coding-DNA position 4067, C replaced by G.
Protein change: p.Pro1356Arg; replaces proline 1356 with arginine.
Molecular consequence: missense variant.
Genome position (GRCh38, 1-based): chr16:30,723,137, C>G. VCF-style: chr16-30723137-C-G. GRCh37 (hg19) VCF-style: chr16-30734458-C-G.
Other names: short protein forms P1356R.
Identifiers: ClinVar variation 3015621 (VCV003015621.3), dbSNP rs902027196, ClinGen allele CA280512829.

ClinVar aggregate classification (germline): Uncertain significance (1 of 4 stars; one submission).

Allele frequency attached by ClinVar (database versions not stated): gnomAD exomes 0.00001; gnomAD 0.00002; TOPMed 0.00004.

Submission:

Labcorp Genetics (formerly Invitae), Labcorp
Classification: Uncertain significance. Last evaluated: 2026-01-03. Review status: criteria provided, single submitter. Criteria: Invitae Variant Classification Sherloc (09022015). Collection method: clinical testing. Allele origin: germline.
Comment: This sequence change replaces proline, which is neutral and non-polar, with arginine, which is basic and polar, at codon 1356 of the SRCAP protein (p.Pro1356Arg). This variant is present in population databases (no rsID available, gnomAD 0.01%). This variant has not been reported in the literature in individuals affected with SRCAP-related conditions. ClinVar contains an entry for this variant (Variation ID: 3015621). Invitae Evidence Modeling of protein sequence and biophysical properties (such as structural, functional, and spatial information, amino acid conservation, physicochemical variation, residue mobility, and thermodynamic stability) indicates that this missense variant is not expected to disrupt SRCAP protein function with a negative predictive value of 80%. In summary, the available evidence is currently insufficient to determine the role of this variant in disease. Therefore, it has been classified as a Variant of Uncertain Significance.